The following is an entry in ClinVar:

ClinVar aggregate classification (germline): Uncertain significance. Review status: criteria provided, multiple submitters, no conflicts (2 of 4 stars). 5 submissions from 5 submitters: Uncertain significance (5). Last evaluated 2025-09-22.

Conditions:
Inborn genetic diseases. Identifiers: MedGen C0950123, MeSH D030342.
Malignant hyperthermia, susceptibility to, 1 (MHS1). Also called: RYR1-Related Malignant Hyperthermia Susceptibility; Malignant hyperthermia suceptibility 1; Anesthesia related hyperthermia; Malignant hyperpyrexia; Fulminating hyperpyrexia; Pharmacogenic myopathy. Identifiers: Orphanet 423, MedGen C2930980, MONDO:0007783, OMIM 145600.
Congenital multicore myopathy with external ophthalmoplegia (CMYO1B). Also called: MULTICORE MYOPATHY; Congenital myopathy 1B, autosomal recessive; Minicore myopathy; MULTIMINICORE DISEASE WITH EXTERNAL OPHTHALMOPLEGIA; Minicore myopathy with external ophthalmoplegia. Identifiers: Orphanet 598, Orphanet 98905, MedGen C1850674, MONDO:0009712, OMIM 255320, HP:0003789.
Congenital myopathy with fiber type disproportion. Also called: Congenital fiber-type disproportion; Congenital fiber-type disproportion myopathy. Identifiers: Orphanet 2020, MedGen C0546264, MONDO:0009711. Inheritance: all.
Central core myopathy (CMYO1A). Also called: Central core disease; Myopathy, central fibrillar; CONGENITAL MYOPATHY 1A, AUTOSOMAL DOMINANT, WITH SUSCEPTIBILITY TO MALIGNANT HYPERTHERMIA. Identifiers: Orphanet 597, MedGen C5830701, MONDO:0007294, OMIM 117000.
Myopathy, RYR1-associated.
RYR1-related disorder. Also called: RYR1-related condition; RYR1-related disorders. Identifiers: MedGen CN239331.

Allele frequency attached by ClinVar (database versions not stated): TOPMed below 0.00001; ExAC 0.00001; gnomAD 0.00001; gnomAD exomes 0.00001.
gnomAD v4.1: 14 of 1,614,056 alleles (0.00087%); highest among the groups gnomAD compares: South Asian, 0.0044%; no homozygotes.

Submissions (5):

Color Diagnostics, LLC DBA Color Health
Classification: Uncertain significance for Malignant hyperthermia, susceptibility to, 1. Last evaluated: 2025-09-22. Review status: criteria provided, single submitter. Criteria: ACMG Guidelines, 2015. Collection method: clinical testing. Allele origin: germline.
Comment: This missense variant replaces isoleucine with threonine at codon 3728 of the RYR1 protein. Computational prediction suggests that this variant may have deleterious impact on protein structure and function. To our knowledge, functional studies have not been reported for this variant. This variant has not been reported in individuals affected with RYR1-related disorders in the literature. This variant has been identified in 2/251452 chromosomes in the general population by the Genome Aggregation Database (gnomAD). The available evidence is insufficient to determine the role of this variant in disease conclusively. Therefore, this variant is classified as a Variant of Uncertain Significance.

GeneDx
Classification: Uncertain significance. Last evaluated: 2025-07-14. Review status: criteria provided, single submitter. Criteria: GeneDx Variant Classification Process June 2021. Collection method: clinical testing. Allele origin: germline. Affected: yes.
Comment: Not observed at significant frequency in large population cohorts (gnomAD); In silico analysis supports that this missense variant has a deleterious effect on protein structure/function; Has not been previously published as pathogenic or benign to our knowledge

Ambry Genetics
Classification: Uncertain significance for Inborn genetic diseases. Last evaluated: 2025-04-29. Review status: criteria provided, single submitter. Criteria: Ambry Variant Classification Scheme 2023. Collection method: clinical testing. Allele origin: germline.

Labcorp Genetics (formerly Invitae), Labcorp
Classification: Uncertain significance for RYR1-related disorder. Last evaluated: 2021-10-21. Review status: criteria provided, single submitter. Criteria: Invitae Variant Classification Sherloc (09022015). Collection method: clinical testing. Allele origin: germline.
Comment: In summary, the available evidence is currently insufficient to determine the role of this variant in disease. Therefore, it has been classified as a Variant of Uncertain Significance. Advanced modeling of protein sequence and biophysical properties (such as structural, functional, and spatial information, amino acid conservation, physicochemical variation, residue mobility, and thermodynamic stability) performed at Invitae indicates that this missense variant is expected to disrupt RYR1 protein function. This variant has not been reported in the literature in individuals affected with RYR1-related conditions. This variant is present in population databases (rs757580935, gnomAD 0.006%). This sequence change replaces isoleucine, which is neutral and non-polar, with threonine, which is neutral and polar, at codon 3728 of the RYR1 protein (p.Ile3728Thr).

Revvity Omics, Revvity
Classification: Uncertain significance. Last evaluated: 2019-04-10. Review status: criteria provided, single submitter. Criteria: ACMG Guidelines, 2015. Collection method: clinical testing. Allele origin: germline.

NM_000540.3(RYR1):c.11183T>C (p.Ile3728Thr)

Gene: RYR1 (ryanodine receptor 1; plus strand). Cytogenetic location: 19q13.2.
Variant type: single nucleotide variant.
Coding change: c.11183T>C on transcript NM_000540.3 (MANE Select); coding-DNA position 11183, T replaced by C.
Protein change: p.Ile3728Thr; replaces isoleucine 3728 with threonine.
Molecular consequence: missense variant.
Genome position (GRCh38, 1-based): chr19:38,532,531, T>C. VCF-style: chr19-38532531-T-C. GRCh37 (hg19) VCF-style: chr19-39023171-T-C.
Other names: c.11183T>C (NM_000540.2); c.11168T>C, p.Ile3723Thr (NM_001042723.2); short protein forms I3723T, I3728T.
Identifiers: ClinVar variation 1444628 (VCV001444628.11), dbSNP rs757580935, ClinGen allele CA056127.